The following is an entry in ClinVar:

ClinVar aggregate classification (germline): Pathogenic (1 of 4 stars; one submission).

Submission:

Labcorp Genetics (formerly Invitae), Labcorp
Classification: Pathogenic. Last evaluated: 2022-02-10. Review status: criteria provided, single submitter. Criteria: Invitae Variant Classification Sherloc (09022015). Collection method: clinical testing. Allele origin: germline.
Comment: For these reasons, this variant has been classified as Pathogenic. This variant has not been reported in the literature in individuals affected with NFKB1-related conditions. This variant is not present in population databases (gnomAD no frequency). This sequence change creates a premature translational stop signal (p.Asp452Glufs*5) in the NFKB1 gene. It is expected to result in an absent or disrupted protein product. Loss-of-function variants in NFKB1 are known to be pathogenic (PMID: 26279205, 29477724).

Literature cited by the submitters: PubMed 26279205; PubMed 29477724.

NM_003998.4(NFKB1):c.1356del (p.Asp452fs)

Gene: NFKB1 (nuclear factor kappa B subunit 1; plus strand). Cytogenetic location: 4q24.
Variant type: Deletion.
Coding change: c.1356del on transcript NM_003998.4 (MANE Select); coding-DNA position 1356, one base deleted (C; older notation c.1356delC).
Protein change: p.Asp452fs; shifts the reading frame from aspartic acid 452.
Molecular consequence: frameshift variant.
Genome position (GRCh38, 1-based): chr4:102,596,193, C deleted. VCF-style (leftmost placement, unchanged base first): chr4-102596192-AC-A. GRCh37 (hg19) VCF-style: chr4-103517349-AC-A.
Other names: c.1353del, p.Asp451fs (NM_001165412.2, NM_001319226.2, NM_001382627.1); c.1356del, p.Asp452fs (NM_001382625.1, NM_001382626.1); c.1314del, p.Asp438fs (NM_001382628.1); short protein forms D451fs, D438fs, D452fs.
Identifiers: ClinVar variation 1456064 (VCV001456064.6), dbSNP rs2149206488, ClinGen allele CA2573137758.